The following is an entry in ClinVar:

ClinVar aggregate classification (germline): Uncertain significance (1 of 4 stars; one submission).

Conditions:
Cone-rod dystrophy 6 (CORD6). Also called: Cone dystrophy progressive; RETINAL CONE DYSTROPHY 2. Identifiers: Orphanet 1872, MedGen C1866293, MONDO:0011143, OMIM 601777.
Leber congenital amaurosis 1 (LCA1). Also called: RETINAL BLINDNESS, CONGENITAL; AMAUROSIS CONGENITA OF LEBER I; Congenital absence of the rods and cones; Leber's congenital tapetoretinal degeneration; Leber's congenital tapetoretinal dysplasia. Identifiers: Orphanet 65, MedGen C2931258, MONDO:0008764, OMIM 204000.

Allele frequency attached by ClinVar (database versions not stated): gnomAD 0.00001; TOPMed 0.00001.
gnomAD v4.1: 12 of 1,480,708 alleles (0.00081%); highest among the groups gnomAD compares: African/African-American, 0.0015%; no homozygotes.

Submission:

Labcorp Genetics (formerly Invitae), Labcorp
Classification: Uncertain significance for Leber congenital amaurosis 1; Cone-rod dystrophy 6. Last evaluated: 2021-08-27. Review status: criteria provided, single submitter. Criteria: Invitae Variant Classification Sherloc (09022015). Collection method: clinical testing. Allele origin: germline.
Comment: This sequence change replaces alanine with threonine at codon 99 of the GUCY2D protein (p.Ala99Thr). The alanine residue is moderately conserved and there is a small physicochemical difference between alanine and threonine. The frequency data for this variant in the population databases is considered unreliable, as metrics indicate insufficient coverage at this position in the ExAC database. This variant has not been reported in the literature in individuals affected with GUCY2D-related conditions. Algorithms developed to predict the effect of missense changes on protein structure and function output the following: SIFT: "Tolerated"; PolyPhen-2: "Benign"; Align-GVGD: "Class C0". The threonine amino acid residue is found in multiple mammalian species, which suggests that this missense change does not adversely affect protein function. Algorithms developed to predict the effect of sequence changes on RNA splicing suggest that this variant may create or strengthen a splice site. In summary, the available evidence is currently insufficient to determine the role of this variant in disease. Therefore, it has been classified as a Variant of Uncertain Significance.

NM_000180.4(GUCY2D):c.295G>A (p.Ala99Thr)

Gene: GUCY2D (guanylate cyclase 2D, retinal; plus strand). Cytogenetic location: 17p13.1.
Variant type: single nucleotide variant.
Coding change: c.295G>A on transcript NM_000180.4 (MANE Select); coding-DNA position 295, G replaced by A.
Protein change: p.Ala99Thr; replaces alanine 99 with threonine.
Molecular consequence: missense variant.
Genome position (GRCh38, 1-based): chr17:8,003,342, G>A. VCF-style: chr17-8003342-G-A. GRCh37 (hg19) VCF-style: chr17-7906660-G-A.
Other names: short protein forms A99T.
Identifiers: ClinVar variation 1001628 (VCV001001628.6), dbSNP rs1304984076, ClinGen allele CA397943135.